The following is an entry in ClinVar:

ClinVar aggregate classification (germline): Uncertain significance (1 of 4 stars; one submission).

gnomAD v4.1: 222 of 1,613,810 alleles (0.014%); highest among the groups gnomAD compares: Middle Eastern, 0.16%; no homozygotes.

Submission:

Labcorp Genetics (formerly Invitae), Labcorp
Classification: Uncertain significance. Last evaluated: 2025-04-03. Review status: criteria provided, single submitter. Criteria: Invitae Variant Classification Sherloc (09022015). Collection method: clinical testing. Allele origin: germline.
Comment: This sequence change replaces valine, which is neutral and non-polar, with isoleucine, which is neutral and non-polar, at codon 232 of the STEAP3 protein (p.Val232Ile). This variant is present in population databases (rs141034237, gnomAD 0.2%), and has an allele count higher than expected for a pathogenic variant. This variant has not been reported in the literature in individuals affected with STEAP3-related conditions. An algorithm developed to predict the effect of missense changes on protein structure and function outputs the following: PolyPhen-2: "Benign". The isoleucine amino acid residue is found in multiple mammalian species, which suggests that this missense change does not adversely affect protein function. In summary, the available evidence is currently insufficient to determine the role of this variant in disease. Therefore, it has been classified as a Variant of Uncertain Significance.

NM_182915.3(STEAP3):c.724G>A (p.Val242Ile)

Genes: STEAP3 (STEAP3 metalloreductase; plus strand), STEAP3-AS1 (STEAP3 antisense RNA 1; minus strand). Cytogenetic location: 2q14.2.
Variant type: single nucleotide variant.
Coding change: c.724G>A on transcript NM_182915.3 (MANE Select); coding-DNA position 724, G replaced by A.
Protein change: p.Val242Ile; replaces valine 242 with isoleucine.
Molecular consequence: missense variant.
Genome position (GRCh38, 1-based): chr2:119,247,880, G>A. VCF-style: chr2-119247880-G-A. GRCh37 (hg19) VCF-style: chr2-120005456-G-A.
Other names: c.694G>A, p.Val232Ile (NM_001008410.2, NM_018234.3, NM_138637.3); short protein forms V232I, V242I.
Identifiers: ClinVar variation 4808276 (VCV004808276.1).